The following is an entry in ClinVar:

ClinVar aggregate classification (germline): Benign/Likely benign. Review status: criteria provided, multiple submitters, no conflicts (2 of 4 stars). 8 submissions from 8 submitters: Benign (5); Likely benign (1). 2 of the submissions do not count toward it. Last evaluated 2026-02-02.

Conditions:
Microcephalic osteodysplastic primordial dwarfism type II (MOPD2). Also called: MOPD II; OSTEODYSPLASTIC PRIMORDIAL DWARFISM, TYPE II; Microcephalic osteodysplastic primordial dwarfism with tooth abnormalities. Identifiers: Orphanet 2637, MedGen C0432246, MONDO:0008872, OMIM 210720.

Allele frequency attached by ClinVar (database versions not stated): 1000 Genomes Project 0.02296; 1000 Genomes Project 30x 0.02405; gnomAD 0.03427 and 0.03488; gnomAD exomes 0.03600 and 0.04013; TOPMed 0.03789; ExAC 0.04157; ESP Exome Variant Server 0.04422.
gnomAD v4.1: 63,892 of 1,608,322 alleles (4%); highest among the groups gnomAD compares: Middle Eastern, 8.4%; 1,611 homozygotes.

Submissions (8):

Labcorp Genetics (formerly Invitae), Labcorp
Classification: Benign. Last evaluated: 2026-02-02. Review status: criteria provided, single submitter. Criteria: Invitae Variant Classification Sherloc (09022015). Collection method: clinical testing. Allele origin: germline.

Blueprint Genetics
Classification: Likely benign. Last evaluated: 2024-11-28. Review status: criteria provided, single submitter. Criteria: ACMG Guidelines, 2015. Collection method: clinical testing. Allele origin: germline.

Illumina Laboratory Services, Illumina
Classification: Benign for Microcephalic osteodysplastic primordial dwarfism type II. Last evaluated: 2018-01-13. Review status: criteria provided, single submitter. Criteria: ICSL Variant Classification Criteria 13 December 2019. Collection method: clinical testing. Allele origin: germline.
Comment: This variant was observed in the ICSL laboratory as part of a predisposition screen in an ostensibly healthy population. It had not been previously curated by ICSL or reported in the Human Gene Mutation Database (HGMD: prior to June 1st, 2018), and was therefore a candidate for classification through an automated scoring system. Utilizing variant allele frequency, disease prevalence and penetrance estimates, and inheritance mode, an automated score was calculated to assess if this variant is too frequent to cause the disease. Based on the score and internal cut-off values, a variant classified as benign is not then subjected to further curation. The score for this variant resulted in a classification of benign for this disease.

GeneDx
Classification: Benign. Last evaluated: 2015-03-03. Review status: criteria provided, single submitter. Criteria: GeneDx Variant Classification Process June 2021. Collection method: clinical testing. Allele origin: germline. Affected: yes.

Genetic Services Laboratory, University of Chicago
Classification: Benign. Last evaluated: 2013-08-22. Review status: criteria provided, single submitter. Criteria: ACMG Guidelines, 2007. Collection method: clinical testing. Allele origin: germline. Inheritance: Autosomal recessive inheritance.

Breakthrough Genomics
Classification: Benign. Review status: criteria provided, single submitter. Criteria: ACMG Guidelines, 2015. Collection method: not provided. Allele origin: germline. Inheritance: Autosomal recessive inheritance. Affected: yes.

Clinical Genetics DNA and cytogenetics Diagnostics Lab, Erasmus MC, Erasmus Medical Center
Classification: Benign. Review status: no assertion criteria provided. Collection method: clinical testing. Allele origin: germline. Affected: yes. Study: VKGL Data-share Consensus. Not counted in ClinVar's aggregate classification.

Laboratory of Diagnostic Genome Analysis, Leiden University Medical Center (LUMC)
Classification: Likely benign. Review status: no assertion criteria provided. Collection method: clinical testing. Allele origin: germline. Affected: yes. Study: VKGL Data-share Consensus. Not counted in ClinVar's aggregate classification.

NM_006031.6(PCNT):c.3580G>A (p.Ala1194Thr)

Gene: PCNT (pericentrin; plus strand). Cytogenetic location: 21q22.3.
Variant type: single nucleotide variant.
Coding change: c.3580G>A on transcript NM_006031.6 (MANE Select); coding-DNA position 3580, G replaced by A.
Protein change: p.Ala1194Thr; replaces alanine 1194 with threonine.
Molecular consequence: missense variant.
Genome position (GRCh38, 1-based): chr21:46,388,857, G>A. VCF-style: chr21-46388857-G-A. GRCh37 (hg19) VCF-style: chr21-47808772-G-A.
Other names: c.3226G>A, p.Ala1076Thr (NM_001315529.2); short protein forms A1194T, A1076T.
Identifiers: ClinVar variation 159590 (VCV000159590.22), dbSNP rs35044802, ClinGen allele CA172996.
Genomic context (GRCh38, chr21:46,388,857, plus strand): 5'-AGGGCAGCCGTCACCCTGAGGAGCCGGATCGGGGAGCGCGTGGGGCTCTGCCTGGATGAC[G>A]CGGGCGCAGGCCTGGCCCTGTCGACAGGTGAGTGTGCCGGGACCAGCTGCCCAGCCCTGT-3'
Protein context (NP_006022.3, residues 1184-1204): GERVGLCLDD[Ala1194Thr]GAGLALSTAP